The following is an entry in ClinVar:

NM_016343.4(CENPF):c.8793G>C (p.Lys2931Asn)

Gene: CENPF (centromere protein F; plus strand). Cytogenetic location: 1q41.
Variant type: single nucleotide variant.
Coding change: c.8793G>C on transcript NM_016343.4 (MANE Select); coding-DNA position 8793, G replaced by C.
Protein change: p.Lys2931Asn; replaces lysine 2931 with asparagine.
Molecular consequence: missense variant.
Genome position (GRCh38, 1-based): chr1:214,657,240, G>C. VCF-style: chr1-214657240-G-C. GRCh37 (hg19) VCF-style: chr1-214830583-G-C.
Other names: short protein forms K2931N.
Identifiers: ClinVar variation 1719668 (VCV001719668.5), dbSNP rs781020005, ClinGen allele CA37381299.

ClinVar aggregate classification (germline): Uncertain significance (1 of 4 stars; one submission).

Allele frequency attached by ClinVar (database versions not stated): gnomAD exomes 0.00001.
gnomAD v4.1: 22 of 1,613,966 alleles (0.0014%); highest among the groups gnomAD compares: Non-Finnish European, 0.0018%; no homozygotes.

Submission:

Labcorp Genetics (formerly Invitae), Labcorp
Classification: Uncertain significance. Last evaluated: 2026-01-12. Review status: criteria provided, single submitter. Criteria: Invitae Variant Classification Sherloc (09022015). Collection method: clinical testing. Allele origin: germline.
Comment: This sequence change replaces lysine, which is basic and polar, with asparagine, which is neutral and polar, at codon 2931 of the CENPF protein (p.Lys2931Asn). This variant is not present in population databases (gnomAD no frequency). This variant has not been reported in the literature in individuals affected with CENPF-related conditions. ClinVar contains an entry for this variant (Variation ID: 1719668). An algorithm developed to predict the effect of missense changes on protein structure and function (PolyPhen-2) suggests that this variant is likely to be disruptive. In summary, the available evidence is currently insufficient to determine the role of this variant in disease. Therefore, it has been classified as a Variant of Uncertain Significance.